The following is an entry in ClinVar:

NM_000535.7(PMS2):c.1369A>G (p.Ser457Gly)

Gene: PMS2 (PMS1 homolog 2, mismatch repair system component; minus strand). Cytogenetic location: 7p22.1.
Variant type: single nucleotide variant.
Coding change: c.1369A>G on transcript NM_000535.7 (MANE Select); coding-DNA position 1369, A replaced by G.
Protein change: p.Ser457Gly; replaces serine 457 with glycine.
Molecular consequence: missense variant. On other transcripts: non-coding transcript variant (1).
Genome position (GRCh38, 1-based): chr7:5,987,396, T>C on the plus strand (A>G on the coding strand, the complement: PMS2 is on the minus strand). VCF-style: chr7-5987396-T-C. GRCh37 (hg19) VCF-style: chr7-6027027-T-C.
Other names: c.1369A>G (NM_000535.5); c.964A>G, p.Ser322Gly (NM_001322003.2, NM_001322004.2, NM_001322005.2 and 1 more transcripts); c.1213A>G, p.Ser405Gly (NM_001322006.2); c.1051A>G, p.Ser351Gly (NM_001322007.2, NM_001322008.2); c.808A>G, p.Ser270Gly (NM_001322010.2); c.436A>G, p.Ser146Gly (NM_001322011.2, NM_001322012.2); c.796A>G, p.Ser266Gly (NM_001322013.2); c.1369A>G, p.Ser457Gly (NM_001322014.2); and 1 more; short protein forms S146G, S405G, S266G, S351G, S457G, S270G, S322G, S354G.
Identifiers: ClinVar variation 1419131 (VCV001419131.10), dbSNP rs2128732252, ClinGen allele CA366742220.

ClinVar aggregate classification (germline): Conflicting classifications of pathogenicity. Review status: criteria provided, conflicting classifications (1 of 4 stars). 2 submissions from 2 submitters: Uncertain significance (1); Likely benign (1). Last evaluated 2026-08-13.

Conditions:
Hereditary nonpolyposis colorectal neoplasms. Identifiers: MedGen C0009405, MeSH D003123.
Hereditary cancer-predisposing syndrome. Also called: Hereditary Cancer Syndrome; Neoplastic Syndromes, Hereditary; Hereditary neoplastic syndrome; Tumor predisposition. Identifiers: Orphanet 140162, MedGen C0027672, MeSH D009386, MONDO:0015356.

Submissions (2):

Ambry Genetics
Classification: Likely benign for Hereditary cancer-predisposing syndrome. Last evaluated: 2026-08-13. Review status: criteria provided, single submitter. Criteria: Ambry Variant Classification Scheme 2023. Collection method: clinical testing. Allele origin: germline.

Labcorp Genetics (formerly Invitae), Labcorp
Classification: Uncertain significance for Hereditary nonpolyposis colorectal neoplasms. Last evaluated: 2025-03-12. Review status: criteria provided, single submitter. Criteria: Invitae Variant Classification Sherloc (09022015). Collection method: clinical testing. Allele origin: germline.
Comment: This sequence change replaces serine, which is neutral and polar, with glycine, which is neutral and non-polar, at codon 457 of the PMS2 protein (p.Ser457Gly). This variant is not present in population databases (gnomAD no frequency). This variant has not been reported in the literature in individuals affected with PMS2-related conditions. ClinVar contains an entry for this variant (Variation ID: 1419131). Invitae Evidence Modeling incorporating data from in vitro experimental studies (internal data) indicates that this missense variant is not expected to disrupt PMS2 function with a negative predictive value of 95%. In summary, the available evidence is currently insufficient to determine the role of this variant in disease. Therefore, it has been classified as a Variant of Uncertain Significance.